The following is an entry in ClinVar:

ClinVar aggregate classification (germline): Likely benign. Review status: criteria provided, single submitter (1 of 4 stars). 2 submissions from 2 submitters: Likely benign (1). 1 of the submissions does not count toward it. Last evaluated 2016-07-25.

Allele frequency attached by ClinVar (database versions not stated): gnomAD exomes below 0.00001; TOPMed 0.00001.
gnomAD v4.1: 1 of 1,613,776 alleles (0.000062%); highest among the groups gnomAD compares: Non-Finnish European, 0.000085%; no homozygotes.

Submissions (2):

GeneDx
Classification: Likely benign. Last evaluated: 2016-07-25. Review status: criteria provided, single submitter. Criteria: GeneDx Variant Classification (06012015). Collection method: clinical testing. Allele origin: germline. Affected: yes.
Comment: This variant is considered likely benign or benign based on one or more of the following criteria: it is a conservative change, it occurs at a poorly conserved position in the protein, it is predicted to be benign by multiple in silico algorithms, and/or has population frequency not consistent with disease.

DeBelle Laboratory for Biochemical Genetics, MUHC/MCH RESEARCH INSTITUTE
No classification provided. Review status: no classification provided. Collection method: not provided. Allele origin: not provided. Not counted in ClinVar's aggregate classification.

NM_000277.3(PAH):c.1316-5T>C

Gene: PAH (phenylalanine hydroxylase; minus strand). Cytogenetic location: 12q23.2.
Variant type: single nucleotide variant.
Coding change: c.1316-5T>C on transcript NM_000277.3 (MANE Select); 5 bases into the intron before coding-DNA position 1316, T replaced by C.
Molecular consequence: intron variant.
Genome position (GRCh38, 1-based): chr12:102,839,223, A>G on the plus strand (T>C on the coding strand, the complement: PAH is on the minus strand). VCF-style: chr12-102839223-A-G. GRCh37 (hg19) VCF-style: chr12-103233001-A-G.
Other names: c.1316-5T>C (NM_001354304.2).
Identifiers: ClinVar variation 102593 (VCV000102593.1), dbSNP rs62509020, ClinGen allele CA229434.